The following is an entry in ClinVar:

ClinVar aggregate classification (germline): Uncertain significance. Review status: criteria provided, multiple submitters, no conflicts (2 of 4 stars). 3 submissions from 3 submitters: Uncertain significance (3). Last evaluated 2026-01-26.

Submissions (3):

GeneDx
Classification: Uncertain significance. Last evaluated: 2026-01-26. Review status: criteria provided, single submitter. Criteria: GeneDx Variant Classification Process June 2021. Collection method: clinical testing. Allele origin: germline.
Comment: In-frame duplication of 3 amino acids in a non-repeat region; Has not been previously published as pathogenic or benign to our knowledge

Labcorp Genetics (formerly Invitae), Labcorp
Classification: Uncertain significance. Last evaluated: 2025-03-29. Review status: criteria provided, single submitter. Criteria: Invitae Variant Classification Sherloc (09022015). Collection method: clinical testing. Allele origin: germline.
Comment: This variant, c.1061_1062insTGACAGCTA, results in the insertion of 3 amino acid(s) of the CSF2RB protein (p.Asp352_Tyr354dup), but otherwise preserves the integrity of the reading frame. This variant is present in population databases (rs773510797, gnomAD 0.04%). This variant has not been reported in the literature in individuals affected with CSF2RB-related conditions. ClinVar contains an entry for this variant (Variation ID: 2419078). In summary, the available evidence is currently insufficient to determine the role of this variant in disease. Therefore, it has been classified as a Variant of Uncertain Significance.

Blueprint Genetics
Classification: Uncertain significance. Last evaluated: 2024-03-05. Review status: criteria provided, single submitter. Criteria: ACMG Guidelines, 2015. Collection method: clinical testing. Allele origin: germline.

NM_000395.3(CSF2RB):c.1061_1062insTGACAGCTA (p.Tyr354_Ser355insAspSerTyr)

Gene: CSF2RB (colony stimulating factor 2 receptor subunit beta; plus strand). Cytogenetic location: 22q12.3.
Variant type: Insertion.
Coding change: c.1061_1062insTGACAGCTA on transcript NM_000395.3 (MANE Select); coding-DNA positions 1061 to 1062, TGACAGCTA inserted.
Protein change: p.Tyr354_Ser355insAspSerTyr.
Molecular consequence: inframe insertion. On other transcripts: inframe indel (1).
Genome position: GRCh38 VCF-style: chr22-36932805-A-AGACAGCTAT. GRCh37 (hg19) VCF-style: chr22-37328847-A-AGACAGCTAT.
Other names: c.1079_1080insTGACAGCTA, p.Tyr360_Ser361insAspSerTyr (NM_001410827.1); c.1061_1062insTGACAGCTA (NM_000395.2).
Identifiers: ClinVar variation 2419078 (VCV002419078.8), dbSNP rs773510797, ClinGen allele CA10213683.